The following is an entry in ClinVar:

ClinVar aggregate classification (germline): Conflicting classifications of pathogenicity. Review status: criteria provided, conflicting classifications (1 of 4 stars). 6 submissions from 6 submitters: Uncertain significance (1); Benign (1); Likely benign (4). Last evaluated 2025-08-13.

Conditions:
Hereditary cancer-predisposing syndrome. Also called: Neoplastic Syndromes, Hereditary; Hereditary Cancer Syndrome; Tumor predisposition; Hereditary neoplastic syndrome. Identifiers: Orphanet 140162, MedGen C0027672, MeSH D009386, MONDO:0015356.
Melanoma-pancreatic cancer syndrome. Identifiers: Orphanet 404560, MedGen C1838547, MONDO:0011713, OMIM 606719. Disease mechanism: loss of function.
Familial melanoma. Also called: Hereditary melanoma; Hereditary cutaneous melanoma. Identifiers: Orphanet 618, MedGen C1512419, MONDO:0018961.

Allele frequency attached by ClinVar (database versions not stated): gnomAD exomes below 0.00001; ExAC 0.00001; TOPMed 0.00001.
gnomAD v4.1: 2 of 1,609,474 alleles (0.00012%); highest among the groups gnomAD compares: Non-Finnish European, 0.00017%; no homozygotes.

Submissions (6):

Myriad Genetics, Inc.
Classification: Benign for Melanoma-pancreatic cancer syndrome. Last evaluated: 2025-08-13. Review status: criteria provided, single submitter. Criteria: Myriad Autosomal Dominant, Autosomal Recessive and X-Linked Classification Criteria (2023). Collection method: clinical testing. Allele origin: unknown.
Comment: This variant is considered benign. This variant is a silent/synonymous amino acid change and it is not expected to impact splicing.

Labcorp Genetics (formerly Invitae), Labcorp
Classification: Likely benign for Familial melanoma. Last evaluated: 2025-03-20. Review status: criteria provided, single submitter. Criteria: Invitae Variant Classification Sherloc (09022015). Collection method: clinical testing. Allele origin: germline.

Quest Diagnostics Nichols Institute San Juan Capistrano
Classification: Uncertain significance. Last evaluated: 2025-02-07. Review status: criteria provided, single submitter. Criteria: Quest Diagnostics criteria. Collection method: clinical testing. Allele origin: unknown.
Comment: The CDKN2A c.66G>A (p.Arg22=) synonymous variant has not been reported in individuals with CDKN2A-related conditions in the published literature. The frequency of this variant in the general population (Genome Aggregation Database) is uninformative in the assessment of its pathogenicity. Analysis of this variant using software algorithms for the prediction of the effect of nucleotide changes on CDKN2A mRNA splicing yielded predictions that this variant may result in the gain of a cryptic splice site without affecting the natural splice sites. Based on the available information, we are unable to determine the clinical significance of this variant.

GeneDx
Classification: Likely benign. Last evaluated: 2019-08-05. Review status: criteria provided, single submitter. Criteria: GeneDx Variant Classification Process June 2021. Collection method: clinical testing. Allele origin: germline. Affected: yes.

Color Diagnostics, LLC DBA Color Health
Classification: Likely benign for Hereditary cancer-predisposing syndrome. Last evaluated: 2017-10-18. Review status: criteria provided, single submitter. Criteria: ACMG Guidelines, 2015. Collection method: clinical testing. Allele origin: germline.

Ambry Genetics
Classification: Likely benign for Hereditary cancer-predisposing syndrome. Last evaluated: 2015-01-14. Review status: criteria provided, single submitter. Criteria: Ambry Variant Classification Scheme 2023. Collection method: clinical testing. Allele origin: germline.

NM_000077.5(CDKN2A):c.66G>A (p.Arg22=)

Gene: CDKN2A (cyclin dependent kinase inhibitor 2A; minus strand). Cytogenetic location: 9p21.3.
Variant type: single nucleotide variant.
Coding change: c.66G>A on transcript NM_000077.5; coding-DNA position 66, G replaced by A.
Protein change: p.Arg22=; no amino-acid change (arginine 22 retained).
Molecular consequence: synonymous variant (on NM_000077.6). On other transcripts: intron variant (2).
Genome position (GRCh38, 1-based): chr9:21,974,762, C>T on the plus strand (G>A on the coding strand, the complement: CDKN2A is on the minus strand). VCF-style: chr9-21974762-C-T. GRCh37 (hg19) VCF-style: chr9-21974761-C-T.
Other names: c.66G>A, p.Arg22= (NM_000077.6, NM_001195132.2, NM_058197.5); c.-3-3554G>A (NM_001363763.2); c.194-3554G>A (NM_058195.4).
Identifiers: ClinVar variation 230052 (VCV000230052.21), dbSNP rs776810546, ClinGen allele CA5012326.